The following is an entry in ClinVar:

NM_001348800.3(ZBTB20):c.1552G>A (p.Gly518Ser)

Gene: ZBTB20 (zinc finger and BTB domain containing 20; minus strand). Cytogenetic location: 3q13.31.
Variant type: single nucleotide variant.
Coding change: c.1552G>A on transcript NM_001348800.3 (MANE Select); coding-DNA position 1552, G replaced by A.
Protein change: p.Gly518Ser; replaces glycine 518 with serine.
Molecular consequence: missense variant.
Genome position (GRCh38, 1-based): chr3:114,350,526, C>T on the plus strand (G>A on the coding strand, the complement: ZBTB20 is on the minus strand). VCF-style: chr3-114350526-C-T. GRCh37 (hg19) VCF-style: chr3-114069373-C-T.
Other names: c.1552G>A, p.Gly518Ser (NM_001164342.2, NM_001348803.3, NM_001393393.1 and 1 more transcripts); c.1333G>A, p.Gly445Ser (NM_001164343.2, NM_001164344.4, NM_001164345.4 and 9 more transcripts); short protein forms G445S, G518S.
Identifiers: ClinVar variation 3002681 (VCV003002681.21), dbSNP rs771958765, ClinGen allele CA2551293.

ClinVar aggregate classification (germline): Likely benign. Review status: criteria provided, multiple submitters, no conflicts (2 of 4 stars). 2 submissions from 2 submitters: Likely benign (2). Last evaluated 2024-06-01.

Allele frequency attached by ClinVar (database versions not stated): TOPMed below 0.00001; ExAC 0.00001; gnomAD 0.00001.
gnomAD v4.1: 8 of 1,613,962 alleles (0.0005%); highest among the groups gnomAD compares: Non-Finnish European, 0.00051%; no homozygotes.

Submissions (2):

CeGaT Center for Human Genetics Tuebingen
Classification: Likely benign. Last evaluated: 2024-06-01. Review status: criteria provided, single submitter. Criteria: CeGaT Center For Human Genetics Tuebingen Variant Classification Criteria Version 2. Collection method: clinical testing. Allele origin: germline. Affected: yes. Observed: 1 variant allele.
Comment: ZBTB20: PP2, BS2

Labcorp Genetics (formerly Invitae), Labcorp
Classification: Likely benign. Last evaluated: 2024-05-08. Review status: criteria provided, single submitter. Criteria: Invitae Variant Classification Sherloc (09022015). Collection method: clinical testing. Allele origin: germline.